The following is an entry in ClinVar:

ClinVar aggregate classification (germline): Uncertain significance (1 of 4 stars; one submission).

Conditions:
Cataract 23 (CTRCT23). Also called: Cataract 23, multiple types; CATARACT 23, LAMELLAR. Identifiers: Orphanet 91492, MedGen C3808012, MONDO:0012489, OMIM 610425.

Allele frequency attached by ClinVar (database versions not stated): gnomAD exomes below 0.00001.

Submission:

Labcorp Genetics (formerly Invitae), Labcorp
Classification: Uncertain significance for Cataract 23. Last evaluated: 2023-03-18. Review status: criteria provided, single submitter. Criteria: Invitae Variant Classification Sherloc (09022015). Collection method: clinical testing. Allele origin: germline.
Comment: This variant is not present in population databases (gnomAD no frequency). This sequence change affects a splice site in intron 4 of the CRYBA4 gene. It is expected to disrupt RNA splicing. Variants that disrupt the donor or acceptor splice site typically lead to a loss of protein function (PMID: 16199547), however the current clinical and genetic evidence is not sufficient to establish whether loss-of-function variants in CRYBA4 cause disease. This variant has not been reported in the literature in individuals affected with CRYBA4-related conditions. In summary, the available evidence is currently insufficient to determine the role of this variant in disease. Therefore, it has been classified as a Variant of Uncertain Significance. Algorithms developed to predict the effect of sequence changes on RNA splicing suggest that this variant may disrupt the consensus splice site.

Literature cited by the submitters: PubMed 16199547.

NM_001886.3(CRYBA4):c.300+1del

Gene: CRYBA4 (crystallin beta A4; plus strand). Cytogenetic location: 22q12.1.
Variant type: Deletion.
Coding change: c.300+1del on transcript NM_001886.3 (MANE Select); the canonical splice donor site of the intron after coding-DNA position 300, one base deleted (G; older notation c.300+1delG).
Molecular consequence: splice donor variant.
Genome position (GRCh38, 1-based): chr22:26,625,623, G deleted. VCF-style (leftmost placement, unchanged base first): chr22-26625622-TG-T. GRCh37 (hg19) VCF-style: chr22-27021586-TG-T.
Identifiers: ClinVar variation 2847247 (VCV002847247.3), dbSNP rs2517434011, ClinGen allele CA2655915267.